The following is an entry in ClinVar:

NM_001845.6(COL4A1):c.1606G>A (p.Asp536Asn)

Gene: COL4A1 (collagen type IV alpha 1 chain; minus strand). Cytogenetic location: 13q34.
Variant type: single nucleotide variant.
Coding change: c.1606G>A on transcript NM_001845.6 (MANE Select); coding-DNA position 1606, G replaced by A.
Protein change: p.Asp536Asn; replaces aspartic acid 536 with asparagine.
Molecular consequence: missense variant.
Genome position (GRCh38, 1-based): chr13:110,187,260, C>T on the plus strand (G>A on the coding strand, the complement: COL4A1 is on the minus strand). VCF-style: chr13-110187260-C-T. GRCh37 (hg19) VCF-style: chr13-110839607-C-T.
Other names: short protein forms D536N.
Identifiers: ClinVar variation 1903902 (VCV001903902.5), dbSNP rs773748960, ClinGen allele CA256265507.

ClinVar aggregate classification (germline): Uncertain significance (1 of 4 stars; one submission).

Allele frequency attached by ClinVar (database versions not stated): TOPMed below 0.00001; gnomAD exomes 0.00001.
gnomAD v4.1: 8 of 1,613,758 alleles (0.0005%); highest among the groups gnomAD compares: Admixed American, 0.0017%; no homozygotes.

Submission:

Labcorp Genetics (formerly Invitae), Labcorp
Classification: Uncertain significance. Last evaluated: 2024-10-07. Review status: criteria provided, single submitter. Criteria: Invitae Variant Classification Sherloc (09022015). Collection method: clinical testing. Allele origin: germline.
Comment: This sequence change replaces aspartic acid, which is acidic and polar, with asparagine, which is neutral and polar, at codon 536 of the COL4A1 protein (p.Asp536Asn). This variant is present in population databases (rs773748960, gnomAD 0.003%). This variant has not been reported in the literature in individuals affected with COL4A1-related conditions. ClinVar contains an entry for this variant (Variation ID: 1903902). Invitae Evidence Modeling of protein sequence and biophysical properties (such as structural, functional, and spatial information, amino acid conservation, physicochemical variation, residue mobility, and thermodynamic stability) indicates that this missense variant is not expected to disrupt COL4A1 protein function with a negative predictive value of 95%. In summary, the available evidence is currently insufficient to determine the role of this variant in disease. Therefore, it has been classified as a Variant of Uncertain Significance.